The following is an entry in ClinVar:

NM_006164.5(NFE2L2):c.1298G>A (p.Ser433Asn)

Gene: NFE2L2 (NFE2 like bZIP transcription factor 2; minus strand). Cytogenetic location: 2q31.2.
Variant type: single nucleotide variant.
Coding change: c.1298G>A on transcript NM_006164.5 (MANE Select); coding-DNA position 1298, G replaced by A.
Protein change: p.Ser433Asn; replaces serine 433 with asparagine.
Molecular consequence: missense variant.
Genome position (GRCh38, 1-based): chr2:177,231,305, C>T on the plus strand (G>A on the coding strand, the complement: NFE2L2 is on the minus strand). VCF-style: chr2-177231305-C-T. GRCh37 (hg19) VCF-style: chr2-178096033-C-T.
Other names: c.1250G>A, p.Ser417Asn (NM_001145412.3, NM_001313900.1, NM_001313901.1); c.1229G>A, p.Ser410Asn (NM_001145413.3); c.1208G>A, p.Ser403Asn (NM_001313902.2); c.1079G>A, p.Ser360Asn (NM_001313903.2); c.998G>A, p.Ser333Asn (NM_001313904.1); short protein forms S333N, S410N, S417N, S360N, S403N, S433N.
Identifiers: ClinVar variation 2585420 (VCV002585420.4), dbSNP rs779740487, ClinGen allele CA1979709.

ClinVar aggregate classification (germline): Uncertain significance. Review status: criteria provided, multiple submitters, no conflicts (2 of 4 stars). 2 submissions from 2 submitters: Uncertain significance (2). Last evaluated 2025-01-06.

Conditions:
Immunodeficiency, developmental delay, and hypohomocysteinemia. Identifiers: MedGen C4540293, MONDO:0060591, OMIM 617744.

Allele frequency attached by ClinVar (database versions not stated): gnomAD exomes below 0.00001; ExAC 0.00002.
gnomAD v4.1: 8 of 1,614,264 alleles (0.0005%); highest among the groups gnomAD compares: South Asian, 0.0077%; no homozygotes.

Submissions (2):

Labcorp Genetics (formerly Invitae), Labcorp
Classification: Uncertain significance. Last evaluated: 2025-01-06. Review status: criteria provided, single submitter. Criteria: Invitae Variant Classification Sherloc (09022015). Collection method: clinical testing. Allele origin: germline.
Comment: This sequence change replaces serine, which is neutral and polar, with asparagine, which is neutral and polar, at codon 433 of the NFE2L2 protein (p.Ser433Asn). This variant is present in population databases (rs779740487, gnomAD 0.01%). This variant has not been reported in the literature in individuals affected with NFE2L2-related conditions. ClinVar contains an entry for this variant (Variation ID: 2585420). Invitae Evidence Modeling of protein sequence and biophysical properties (such as structural, functional, and spatial information, amino acid conservation, physicochemical variation, residue mobility, and thermodynamic stability) indicates that this missense variant is not expected to disrupt NFE2L2 protein function with a negative predictive value of 80%. In summary, the available evidence is currently insufficient to determine the role of this variant in disease. Therefore, it has been classified as a Variant of Uncertain Significance.

Neuberg Centre For Genomic Medicine, NCGM
Classification: Uncertain significance for Immunodeficiency, developmental delay, and hypohomocysteinemia. Review status: criteria provided, single submitter. Criteria: ACMG Guidelines, 2015. Collection method: clinical testing. Allele origin: germline. Inheritance: Autosomal dominant inheritance. Affected: yes.
Comment: The missense variant in c.1298G>A (p.Ser433Asn) in NFE2L2 gene has not been reported previously as a pathogenic variant nor as a benign variant, to our knowledge. The p.Ser433Asn variant is reported with the allele frequency of 0.001604% in gnomAD and is novel (not in any individuals) in 1000 Genomes. This variant has not been reported to the ClinVar database. The amino acid Ser at position 433 is changed to a Asn changing protein sequence and it might alter its composition and physico-chemical properties. In silico tools predict the variant to be tolerated. The residue is conserved across species. The amino acid change p.Ser433Asn in NFE2L2 is predicted as conserved by GERP++ and PhyloP across 100 vertebrates. For these reasons, this variant has been classified as Uncertain Significance.